The following is an entry in ClinVar:

ClinVar aggregate classification (germline): Uncertain significance. Review status: criteria provided, multiple submitters, no conflicts (2 of 4 stars). 4 submissions from 4 submitters: Uncertain significance (4). Last evaluated 2025-01-12.

Conditions:
Hereditary cancer-predisposing syndrome. Also called: Neoplastic Syndromes, Hereditary; Hereditary neoplastic syndrome; Hereditary Cancer Syndrome; Tumor predisposition. Identifiers: Orphanet 140162, MedGen C0027672, MeSH D009386, MONDO:0015356.
Tuberous sclerosis 2 (TSC2). Identifiers: Orphanet 805, MedGen C1860707, MONDO:0013199, OMIM 613254.
Lymphangiomyomatosis (LAM). Also called: Lymphangioleiomyomatosis; Lymphangioleiomyomatosis, somatic. Identifiers: Orphanet 538, MedGen C0751674, MONDO:0011705, OMIM 606690.
Isolated focal cortical dysplasia type II (FCORD2). Also called: Focal cortical dysplasia type II; CORTICAL DYSPLASIA OF TAYLOR. Identifiers: Orphanet 268994, MedGen C1846385, MONDO:0011818, OMIM 607341, HP:0032051.

Submissions (4):

Labcorp Genetics (formerly Invitae), Labcorp
Classification: Uncertain significance for Tuberous sclerosis 2. Last evaluated: 2025-01-12. Review status: criteria provided, single submitter. Criteria: Invitae Variant Classification Sherloc (09022015). Collection method: clinical testing. Allele origin: germline.
Comment: This sequence change replaces glutamic acid, which is acidic and polar, with lysine, which is basic and polar, at codon 588 of the TSC2 protein (p.Glu588Lys). This variant is not present in population databases (gnomAD no frequency). This variant has not been reported in the literature in individuals affected with TSC2-related conditions. ClinVar contains an entry for this variant (Variation ID: 659073). Invitae Evidence Modeling of protein sequence and biophysical properties (such as structural, functional, and spatial information, amino acid conservation, physicochemical variation, residue mobility, and thermodynamic stability) indicates that this missense variant is not expected to disrupt TSC2 protein function with a negative predictive value of 95%. In summary, the available evidence is currently insufficient to determine the role of this variant in disease. Therefore, it has been classified as a Variant of Uncertain Significance.

Ambry Genetics
Classification: Uncertain significance for Hereditary cancer-predisposing syndrome. Last evaluated: 2023-02-13. Review status: criteria provided, single submitter. Criteria: Ambry Variant Classification Scheme 2023. Collection method: clinical testing. Allele origin: germline.
Comment: The p.E588K variant (also known as c.1762G>A), located in coding exon 16 of the TSC2 gene, results from a G to A substitution at nucleotide position 1762. The glutamic acid at codon 588 is replaced by lysine, an amino acid with similar properties. This amino acid position is highly conserved in available vertebrate species. In addition, this alteration is predicted to be deleterious by in silico analysis. Since supporting evidence is limited at this time, the clinical significance of this alteration remains unclear.

Fulgent Genetics
Classification: Uncertain significance for Lymphangiomyomatosis; Isolated focal cortical dysplasia type II; Tuberous sclerosis 2. Last evaluated: 2021-11-16. Review status: criteria provided, single submitter. Criteria: ACMG Guidelines, 2015. Collection method: clinical testing. Allele origin: unknown.

Genome-Nilou Lab
Classification: Uncertain significance for Tuberous sclerosis 2. Last evaluated: 2021-11-07. Review status: criteria provided, single submitter. Criteria: ACMG Guidelines, 2015. Collection method: clinical testing. Allele origin: germline. Affected: no.

NM_000548.5(TSC2):c.1762G>A (p.Glu588Lys)

Gene: TSC2 (TSC complex subunit 2; plus strand). Cytogenetic location: 16p13.3.
Variant type: single nucleotide variant.
Coding change: c.1762G>A on transcript NM_000548.5 (MANE Select); coding-DNA position 1762, G replaced by A.
Protein change: p.Glu588Lys; replaces glutamic acid 588 with lysine.
Molecular consequence: missense variant.
Genome position (GRCh38, 1-based): chr16:2,070,501, G>A. VCF-style: chr16-2070501-G-A. GRCh37 (hg19) VCF-style: chr16-2120502-G-A.
Other names: c.1762G>A, p.Glu588Lys (NM_001077183.3, NM_001114382.3, NM_001363528.2 and 3 more transcripts); c.1651G>A, p.Glu551Lys (NM_001318827.2); c.1615G>A, p.Glu539Lys (NM_001318829.2); c.1162G>A, p.Glu388Lys (NM_001318831.2); c.1795G>A, p.Glu599Lys (NM_001318832.2); short protein forms E539K, E551K, E588K, E388K, E599K.
Identifiers: ClinVar variation 659073 (VCV000659073.16), dbSNP rs1596336374, ClinGen allele CA394272856.